The following is an entry in ClinVar:

ClinVar aggregate classification (germline): Uncertain significance (1 of 4 stars; one submission).

Conditions:
Hereditary spastic paraplegia 45. Also called: Spastic paraplegia 45, autosomal recessive; SPASTIC PARAPLEGIA 45. Identifiers: Orphanet 320396, MedGen C3888209, MONDO:0013165, OMIM 613162.

Submission:

Labcorp Genetics (formerly Invitae), Labcorp
Classification: Uncertain significance for Hereditary spastic paraplegia 45. Last evaluated: 2018-02-07. Review status: criteria provided, single submitter. Criteria: Invitae Variant Classification Sherloc (09022015). Collection method: clinical testing. Allele origin: germline.
Comment: In summary, the available evidence is currently insufficient to determine the role of this variant in disease. Therefore, it has been classified as a Variant of Uncertain Significance. Algorithms developed to predict the effect of missense changes on protein structure and function (SIFT, PolyPhen-2, Align-GVGD) all suggest that this variant is likely to be disruptive, but these predictions have not been confirmed by published functional studies and their clinical significance is uncertain. This variant has not been reported in the literature in individuals with NT5C2-related disease. This variant is not present in population databases (ExAC no frequency). This sequence change replaces serine with proline at codon 328 of the NT5C2 protein (p.Ser328Pro). The serine residue is highly conserved and there is a moderate physicochemical difference between serine and proline.

NM_001351169.2(NT5C2):c.982T>C (p.Ser328Pro)

Gene: NT5C2 (5'-nucleotidase, cytosolic II; minus strand). Cytogenetic location: 10q24.32.
Variant type: single nucleotide variant.
Coding change: c.982T>C on transcript NM_001351169.2 (MANE Select); coding-DNA position 982, T replaced by C.
Protein change: p.Ser328Pro; replaces serine 328 with proline.
Molecular consequence: missense variant.
Genome position (GRCh38, 1-based): chr10:103,093,978, A>G on the plus strand (T>C on the coding strand, the complement: NT5C2 is on the minus strand). VCF-style: chr10-103093978-A-G. GRCh37 (hg19) VCF-style: chr10-104853735-A-G.
Other names: c.982T>C, p.Ser328Pro (NM_001134373.3, NM_012229.5); c.1006T>C, p.Ser336Pro (NM_001351170.2, NM_001351171.2, NM_001351172.2 and 1 more transcripts); c.895T>C, p.Ser299Pro (NM_001351174.1); c.889T>C, p.Ser297Pro (NM_001351175.2); c.409T>C, p.Ser137Pro (NM_001351176.2, NM_001351177.2, NM_001351178.2 and 16 more transcripts); c.268T>C, p.Ser90Pro (NM_001351194.2, NM_001351195.2, NM_001351196.2); short protein forms S328P, S137P, S90P, S299P, S297P, S336P.
Identifiers: ClinVar variation 576834 (VCV000576834.8), dbSNP rs1564921342, ClinGen allele CA377971632.